The following is an entry in ClinVar:

ClinVar aggregate classification (germline): Pathogenic (1 of 4 stars; one submission).

Submission:

Labcorp Genetics (formerly Invitae), Labcorp
Classification: Pathogenic. Last evaluated: 2019-04-23. Review status: criteria provided, single submitter. Criteria: Invitae Variant Classification Sherloc (09022015). Collection method: clinical testing. Allele origin: germline.
Comment: This variant has not been reported in the literature in individuals with PHEX-related conditions. Loss-of-function variants in PHEX are known to be pathogenic (PMID: 9097956, 9106524, 19219621). For these reasons, this variant has been classified as Pathogenic. This variant is not present in population databases (ExAC no frequency). This sequence change creates a premature translational stop signal (p.Lys272*) in the PHEX gene. It is expected to result in an absent or disrupted protein product.

Literature cited by the submitters: PubMed 9097956; PubMed 9106524; PubMed 19219621.

NM_000444.6(PHEX):c.814A>T (p.Lys272Ter)

Gene: PHEX (phosphate regulating endopeptidase X-linked; plus strand). Cytogenetic location: Xp22.11.
Variant type: single nucleotide variant.
Coding change: c.814A>T on transcript NM_000444.6 (MANE Select); coding-DNA position 814, A replaced by T.
Protein change: p.Lys272Ter; replaces lysine 272 with a stop codon.
Molecular consequence: nonsense.
Genome position (GRCh38, 1-based): chrX:22,094,064, A>T. VCF-style: chrX-22094064-A-T. GRCh37 (hg19) VCF-style: chrX-22112182-A-T.
Other names: c.814A>T, p.Lys272Ter (NM_001282754.2); short protein forms K272*.
Identifiers: ClinVar variation 952878 (VCV000952878.7), dbSNP rs1930023604, ClinGen allele CA412572438.